The following is an entry in ClinVar:

NM_003227.4(TFR2):c.745del (p.His249fs)

Gene: TFR2 (transferrin receptor 2; minus strand). Cytogenetic location: 7q22.1.
Variant type: Deletion.
Coding change: c.745del on transcript NM_003227.4 (MANE Select); coding-DNA position 745, one base deleted (C; older notation c.745delC).
Protein change: p.His249fs; shifts the reading frame from histidine 249.
Molecular consequence: frameshift variant.
Genome position (GRCh38, 1-based): chr7:100,633,105, G deleted on the plus strand (C on the coding strand, the reverse complement: TFR2 is on the minus strand); the first of 3 consecutive G bases (chr7:100,633,105-100,633,107); deleting any one gives the same sequence. VCF-style (leftmost placement, unchanged base first): chr7-100633104-TG-T. GRCh37 (hg19) VCF-style: chr7-100230727-TG-T.
Other names: c.232del, p.His78fs (NM_001206855.3); short protein forms H249fs, H78fs.
Identifiers: ClinVar variation 1403018 (VCV001403018.6), dbSNP rs2131320223, ClinGen allele CA2573141351.

ClinVar aggregate classification (germline): Pathogenic (1 of 4 stars; one submission).

Conditions:
Hereditary hemochromatosis (HFE). Identifiers: MedGen C0392514, MONDO:0006507. Disease mechanism: loss of function.

Submission:

Labcorp Genetics (formerly Invitae), Labcorp
Classification: Pathogenic for Hereditary hemochromatosis. Last evaluated: 2021-09-17. Review status: criteria provided, single submitter. Criteria: Invitae Variant Classification Sherloc (09022015). Collection method: clinical testing. Allele origin: germline.
Comment: For these reasons, this variant has been classified as Pathogenic. This variant has not been reported in the literature in individuals affected with TFR2-related conditions. This variant is not present in population databases (ExAC no frequency). This sequence change creates a premature translational stop signal (p.His249Thrfs*29) in the TFR2 gene. It is expected to result in an absent or disrupted protein product. Loss-of-function variants in TFR2 are known to be pathogenic (PMID: 23600741, 26029709).

Literature cited by the submitters: PubMed 23600741; PubMed 26029709.